The following is an entry in ClinVar:

NC_000005.10:g.112707450del

Gene: APC (APC regulator of Wnt signaling pathway; plus strand). Cytogenetic location: 5q22.2.
Variant type: Deletion.
Genome position: GRCh38 VCF-style: chr5-112707448-AG-A. GRCh37 (hg19) VCF-style: chr5-112043145-AG-A.
Identifiers: ClinVar variation 3617423 (VCV003617423.2).

ClinVar aggregate classification (germline): Uncertain significance (1 of 4 stars; one submission).

Conditions:
Familial adenomatous polyposis 1 (FAP1). Also called: FAMILIAL ADENOMATOUS POLYPOSIS 1, ATTENUATED; POLYPOSIS, ADENOMATOUS INTESTINAL. Identifiers: MedGen C2713442, MONDO:0021056, OMIM 175100. Disease mechanism: loss of function.

Submission:

Labcorp Genetics (formerly Invitae), Labcorp
Classification: Uncertain significance for Familial adenomatous polyposis 1. Last evaluated: 2024-05-28. Review status: criteria provided, single submitter. Criteria: Invitae Variant Classification Sherloc (09022015). Collection method: clinical testing. Allele origin: germline.
Comment: This variant occurs in a non-coding region of the APC gene. It does not change the encoded amino acid sequence of the APC protein. This variant is not present in population databases (gnomAD no frequency). This variant has not been reported in the literature in individuals affected with APC-related conditions. Experimental studies and prediction algorithms are not available or were not evaluated, and the functional significance of this variant is currently unknown. In summary, the available evidence is currently insufficient to determine the role of this variant in disease. Therefore, it has been classified as a Variant of Uncertain Significance.